The following is an entry in ClinVar:

NM_000432.4(MYL2):c.217del (p.Ala73fs)

Gene: MYL2 (myosin light chain 2; minus strand). Cytogenetic location: 12q24.11.
Variant type: Deletion.
Coding change: c.217del on transcript NM_000432.4 (MANE Select); coding-DNA position 217, one base deleted (G; older notation c.217delG).
Protein change: p.Ala73fs; shifts the reading frame from alanine 73.
Molecular consequence: frameshift variant.
Genome position (GRCh38, 1-based): chr12:110,914,243, C deleted on the plus strand (G on the coding strand, the reverse complement: MYL2 is on the minus strand); the first of 2 consecutive C bases (chr12:110,914,243-110,914,244); deleting either gives the same sequence. VCF-style (leftmost placement, unchanged base first): chr12-110914242-GC-G. GRCh37 (hg19) VCF-style: chr12-111352046-GC-G.
Other names: short protein forms A73fs.
Identifiers: ClinVar variation 1320882 (VCV001320882.2), dbSNP rs2136772257, ClinGen allele CA2573053599.
Genomic context (GRCh38, chr12:110,914,242, plus strand): 5'-TTACCCTTAAGTTTCTCCCCAAACATTGTGAGGAACACAGTAAAGTTAATTGGACCCGGA[GC>G]CTCCTTGATCATTTCATCAATTTCTTCATTTTTCACGTTCACTCGCCCTAGGGTAGGAAA-3'

ClinVar aggregate classification (germline): Uncertain significance (1 of 4 stars; one submission).

Submission:

GeneDx
Classification: Uncertain significance. Last evaluated: 2019-10-17. Review status: criteria provided, single submitter. Criteria: GeneDx Variant Classification Process June 2021. Collection method: clinical testing. Allele origin: germline. Affected: yes.
Comment: Has not been previously published as pathogenic or benign to our knowledge; Not observed in large population cohorts (Lek et al., 2016); Frameshift variant predicted to result in protein truncation or nonsense mediated decay in a gene for which loss-of-function is not a known mechanism of disease; Few frameshift variants in the MYL2 gene reported in the Human Gene Mutation Database in association with MYL2-related disorders, primarily missense variants reported (Stenson et al., 2014)